The following is an entry in ClinVar:

NM_005629.4(SLC6A8):c.1767+8_1767+11dup

Gene: SLC6A8 (solute carrier family 6 member 8; plus strand). Cytogenetic location: Xq28.
Variant type: Duplication.
Coding change: c.1767+8_1767+11dup on transcript NM_005629.4 (MANE Select); bases 8 to 11 of the intron after coding-DNA position 1767, 4 bases duplicated (TCCC; older notation c.1767+8_1767+11dupTCCC).
Molecular consequence: intron variant.
Genome position (GRCh38, 1-based): chrX:153,694,897-153,694,900, TCCC duplicated; duplicating any 4 consecutive bases within chrX:153,694,896-153,694,900 gives the same sequence; the c. name uses the placement nearest the transcript's 3' end. VCF-style (leftmost placement, unchanged base first): chrX-153694895-G-GCTCC. GRCh37 (hg19) VCF-style: chrX-152960350-G-GCTCC.
Other names: c.1767+8_1767+11dup (NM_005629.3); c.1737+8_1737+11dup (NM_001142805.2); c.1422+8_1422+11dup (NM_001142806.1).
Identifiers: ClinVar variation 510971 (VCV000510971.11), dbSNP rs1185206859, ClinGen allele CA645287952.

ClinVar aggregate classification (germline): Benign/Likely benign. Review status: criteria provided, multiple submitters, no conflicts (2 of 4 stars). 2 submissions from 2 submitters: Benign (1); Likely benign (1). Last evaluated 2025-12-08.

Conditions:
Creatine transporter deficiency (CCDS1). Also called: Creatine Transporter (CRTR) Deficiency; Mental retardation , X-linked with seizures, short stature and midface hypoplasia; Mental retardation , X-linked, with creatine transport deficiency; X-linked creatine transporter deficiency; X-linked creatine deficiency syndrome; SLC6A8-Related Creatine Transporter Deficiency. Identifiers: Orphanet 52503, MedGen C1845862, MONDO:0010305, OMIM 300352.

Submissions (2):

Labcorp Genetics (formerly Invitae), Labcorp
Classification: Benign for Creatine transporter deficiency. Last evaluated: 2025-12-08. Review status: criteria provided, single submitter. Criteria: Invitae Variant Classification Sherloc (09022015). Collection method: clinical testing. Allele origin: germline.

GeneDx
Classification: Likely benign. Last evaluated: 2017-07-21. Review status: criteria provided, single submitter. Criteria: GeneDx Variant Classification (06012015). Collection method: clinical testing. Allele origin: germline. Affected: yes.
Comment: This variant is considered likely benign or benign based on one or more of the following criteria: it is a conservative change, it occurs at a poorly conserved position in the protein, it is predicted to be benign by multiple in silico algorithms, and/or has population frequency not consistent with disease.